The following is an entry in ClinVar:

NM_005655.4(KLF10):c.1169C>T (p.Thr390Met)

Gene: KLF10 (KLF transcription factor 10; minus strand). Cytogenetic location: 8q22.3.
Variant type: single nucleotide variant.
Coding change: c.1169C>T on transcript NM_005655.4 (MANE Select); coding-DNA position 1169, C replaced by T.
Protein change: p.Thr390Met; replaces threonine 390 with methionine.
Molecular consequence: missense variant. On other transcripts: non-coding transcript variant (1).
Genome position (GRCh38, 1-based): chr8:102,651,163, G>A on the plus strand (C>T on the coding strand, the complement: KLF10 is on the minus strand). VCF-style: chr8-102651163-G-A. GRCh37 (hg19) VCF-style: chr8-103663391-G-A.
Other names: c.1136C>T, p.Thr379Met (NM_001032282.4); short protein forms T390M, T379M.
Identifiers: ClinVar variation 2194518 (VCV002194518.4), dbSNP rs562529416, ClinGen allele CA4833462.
Genomic context (GRCh38, chr8:102,651,163, plus strand): 5'-AAAATCTCTTCATTTAAACACTAAAGATATAAGAAGTGGCTGGTACCTGTGTGCGTCCTC[G>A]TGTGGGCCTTCAGATGGGAACTTTTAAAGTATGTCTTGCCACATCCTGGGTGGCTACAGA-3'
Protein context (NP_005646.1, residues 380-400): YFKSSHLKAH[Thr390Met]RTHTGEKPFS

ClinVar aggregate classification (germline): Uncertain significance (1 of 4 stars; one submission).

Allele frequency attached by ClinVar (database versions not stated): TOPMed 0.00002; gnomAD 0.00003; ExAC 0.00005; gnomAD exomes 0.00007; 1000 Genomes Project 30x 0.00016; 1000 Genomes Project 0.00020.
gnomAD v4.1: 99 of 1,509,546 alleles (0.0066%); highest among the groups gnomAD compares: South Asian, 0.069%; 2 homozygotes.

Submission:

Labcorp Genetics (formerly Invitae), Labcorp
Classification: Uncertain significance. Last evaluated: 2024-06-15. Review status: criteria provided, single submitter. Criteria: Invitae Variant Classification Sherloc (09022015). Collection method: clinical testing. Allele origin: germline.
Comment: This sequence change replaces threonine, which is neutral and polar, with methionine, which is neutral and non-polar, at codon 390 of the KLF10 protein (p.Thr390Met). This variant is present in population databases (rs562529416, gnomAD 0.03%). This variant has not been reported in the literature in individuals affected with KLF10-related conditions. ClinVar contains an entry for this variant (Variation ID: 2194518). Algorithms developed to predict the effect of missense changes on protein structure and function output the following: SIFT: "Not Available"; PolyPhen-2: "Benign"; Align-GVGD: "Not Available". The methionine amino acid residue is found in multiple mammalian species, which suggests that this missense change does not adversely affect protein function. In summary, the available evidence is currently insufficient to determine the role of this variant in disease. Therefore, it has been classified as a Variant of Uncertain Significance.